The following is an entry in ClinVar:

ClinVar aggregate classification (germline): Pathogenic/Likely pathogenic. Review status: criteria provided, multiple submitters, no conflicts (2 of 4 stars). 6 submissions from 6 submitters: Pathogenic (2); Likely pathogenic (4). Last evaluated 2024-04-20.

Conditions:
Isolated neonatal sclerosing cholangitis (NSC). Also called: Sclerosing cholangitis, neonatal. Identifiers: Orphanet 480556, MedGen C4479344, MONDO:0018816, OMIM 617394.
Nephronophthisis 19 (NPHP19). Identifiers: Orphanet 84081, MedGen C4015542, MONDO:0014537, OMIM 616217.
Autosomal recessive nonsyndromic hearing loss 66 (DFNB66). Also called: Deafness, autosomal recessive 66. Identifiers: Orphanet 90636, MedGen C1857750, MONDO:0012442, OMIM 610212.
DCDC2-related disorder. Also called: DCDC2-related condition.

Allele frequency attached by ClinVar (database versions not stated): gnomAD exomes below 0.00001; gnomAD 0.00002; TOPMed 0.00003.

Submissions (6):

Fulgent Genetics
Classification: Likely pathogenic for Autosomal recessive nonsyndromic hearing loss 66; Nephronophthisis 19; Isolated neonatal sclerosing cholangitis. Last evaluated: 2024-04-20. Review status: criteria provided, single submitter. Criteria: ACMG Guidelines, 2015. Collection method: clinical testing. Allele origin: germline.

Labcorp Genetics (formerly Invitae), Labcorp
Classification: Pathogenic for Autosomal recessive nonsyndromic hearing loss 66; Isolated neonatal sclerosing cholangitis. Last evaluated: 2024-01-24. Review status: criteria provided, single submitter. Criteria: Invitae Variant Classification Sherloc (09022015). Collection method: clinical testing. Allele origin: germline.
Comment: This sequence change creates a premature translational stop signal (p.Gly315Glufs*32) in the DCDC2 gene. It is expected to result in an absent or disrupted protein product. Loss-of-function variants in DCDC2 are known to be pathogenic (PMID: 25557784, 27319779, 27469900). This variant is not present in population databases (gnomAD no frequency). This variant has not been reported in the literature in individuals affected with DCDC2-related conditions. ClinVar contains an entry for this variant (Variation ID: 501471). For these reasons, this variant has been classified as Pathogenic.

PreventionGenetics, part of Exact Sciences
Classification: Likely pathogenic for DCDC2-related condition. Last evaluated: 2022-12-23. Review status: criteria provided, single submitter. Criteria: ACMG Guidelines, 2015. Collection method: clinical testing. Allele origin: germline.
Comment: The DCDC2 c.942delT variant is predicted to result in a frameshift and premature protein termination (p.Gly315Glufs*32). To our knowledge, this variant has not been reported in individuals with DCDC2-related disease. This variant has not been reported in a large population database, indicating this variant is rare. Frameshift variants in DCDC2 are expected to be pathogenic. This variant is interpreted as likely pathogenic.

3billion
Classification: Pathogenic for Isolated neonatal sclerosing cholangitis. Last evaluated: 2022-09-01. Review status: criteria provided, single submitter. Criteria: ACMG Guidelines, 2015. Collection method: clinical testing. Allele origin: germline. Affected: yes. Observed: 1 homozygote.
Comment: The variant is not observed in the gnomAD v2.1.1 dataset. Frameshift variant is predicted to result in a loss or disruption of normal protein function through nonsense-mediated decay (NMD) or protein truncation. Multiple pathogenic variants are reported downstream of the variant. The variant has been reported at least twice as pathogenic without evidence for the classification (ClinVar ID: VCV000501471 / PMID: 31589614). Therefore, this variant is classified as Pathogenic according to the recommendation of ACMG/AMP guideline.

Greenwood Genetic Center Diagnostic Laboratories, Greenwood Genetic Center
Classification: Likely pathogenic for DCDC2-related condition. Last evaluated: 2021-08-10. Review status: criteria provided, single submitter. Criteria: ACMG Guidelines, 2015. Collection method: clinical testing. Allele origin: germline. Affected: yes.
Comment: PVS1, PM2

Eurofins Ntd Llc (ga)
Classification: Likely pathogenic. Last evaluated: 2017-04-19. Review status: criteria provided, single submitter. Criteria: EGL Classification Definitions 2015. Collection method: clinical testing. Allele origin: germline. Observed: 2 variant alleles, 2 heterozygotes.

Literature cited by the submitters: PubMed 25557784 (cited by Labcorp Genetics (formerly Invitae), Labcorp); PubMed 27319779 (cited by Labcorp Genetics (formerly Invitae), Labcorp); PubMed 27469900 (cited by Labcorp Genetics (formerly Invitae), Labcorp); PubMed 31589614 (cited by 3billion).

NM_016356.5(DCDC2):c.942del (p.Gly315fs)

Gene: DCDC2 (doublecortin domain containing 2; minus strand). Cytogenetic location: 6p22.3.
Variant type: Deletion.
Coding change: c.942del on transcript NM_016356.5 (MANE Select); coding-DNA position 942, one base deleted (T; older notation c.942delT).
Protein change: p.Gly315fs; shifts the reading frame from glycine 315.
Molecular consequence: frameshift variant.
Genome position (GRCh38, 1-based): chr6:24,205,083, A deleted on the plus strand (T on the coding strand, the reverse complement: DCDC2 is on the minus strand). VCF-style (leftmost placement, unchanged base first): chr6-24205082-CA-C. GRCh37 (hg19) VCF-style: chr6-24205310-CA-C.
Other names: c.942del, p.Gly315fs (NM_001195610.2); c.942delT (NM_016356.4); short protein forms G315fs.
Identifiers: ClinVar variation 501471 (VCV000501471.15), dbSNP rs1554144869, ClinGen allele CA658796725.